The following is an entry in ClinVar:

NM_022124.6(CDH23):c.9320-34C>T

Gene: CDH23 (cadherin related 23; plus strand). Cytogenetic location: 10q22.1.
Variant type: single nucleotide variant.
Coding change: c.9320-34C>T on transcript NM_022124.6 (MANE Select); 34 bases into the intron before coding-DNA position 9320, C replaced by T.
Molecular consequence: intron variant. On other transcripts: 5 prime UTR variant (2).
Genome position (GRCh38, 1-based): chr10:71,811,921, C>T. VCF-style: chr10-71811921-C-T. GRCh37 (hg19) VCF-style: chr10-73571678-C-T.
Other names: c.-371C>T (NM_001171935.1, NM_001171936.1); c.2600-34C>T (NM_001171933.1, NM_001171934.1).
Identifiers: ClinVar variation 676588 (VCV000676588.2), dbSNP rs41281342, ClinGen allele CA5546983.

ClinVar aggregate classification (germline): Likely benign. Review status: criteria provided, multiple submitters, no conflicts (2 of 4 stars). 2 submissions from 2 submitters: Likely benign (2). Last evaluated 2018-06-16.

Allele frequency attached by ClinVar (database versions not stated): 1000 Genomes Project 0.00659; 1000 Genomes Project 30x 0.00687; gnomAD 0.01370 and 0.01409; ExAC 0.01391; gnomAD exomes 0.01461 and 0.01762; TOPMed 0.01469; ESP Exome Variant Server 0.01543.
gnomAD v4.1: 27,878 of 1,613,212 alleles (1.7%); highest among the groups gnomAD compares: Non-Finnish European, 1.9%; 302 homozygotes.

Submissions (2):

GeneDx
Classification: Likely benign. Last evaluated: 2018-06-16. Review status: criteria provided, single submitter. Criteria: GeneDx Variant Classification (06012015). Collection method: clinical testing. Allele origin: germline. Affected: yes.
Comment: This variant is considered likely benign or benign based on one or more of the following criteria: it is a conservative change, it occurs at a poorly conserved position in the protein, it is predicted to be benign by multiple in silico algorithms, and/or has population frequency not consistent with disease.

Breakthrough Genomics
Classification: Likely benign. Review status: criteria provided, single submitter. Criteria: ACMG Guidelines, 2015. Collection method: not provided. Allele origin: germline. Inheritance: Autosomal recessive inheritance. Affected: yes.